The following is an entry in ClinVar:

NM_001312909.2(FAM111A):c.1687A>G (p.Thr563Ala)

Gene: FAM111A (FAM111 trypsin like peptidase A; plus strand). Cytogenetic location: 11q12.1.
Variant type: single nucleotide variant.
Coding change: c.1687A>G on transcript NM_001312909.2 (MANE Select); coding-DNA position 1687, A replaced by G.
Protein change: p.Thr563Ala; replaces threonine 563 with alanine.
Molecular consequence: missense variant.
Genome position (GRCh38, 1-based): chr11:59,153,355, A>G. VCF-style: chr11-59153355-A-G. GRCh37 (hg19) VCF-style: chr11-58920828-A-G.
Other names: c.1687A>G, p.Thr563Ala (NM_001142519.3, NM_001142520.3, NM_001142521.3 and 29 more transcripts); short protein forms T563A.
Identifiers: ClinVar variation 4760151 (VCV004760151.1).

ClinVar aggregate classification (germline): Uncertain significance (1 of 4 stars; one submission).

Submission:

Labcorp Genetics (formerly Invitae), Labcorp
Classification: Uncertain significance. Last evaluated: 2025-04-23. Review status: criteria provided, single submitter. Criteria: Invitae Variant Classification Sherloc (09022015). Collection method: clinical testing. Allele origin: germline.
Comment: This sequence change replaces threonine, which is neutral and polar, with alanine, which is neutral and non-polar, at codon 563 of the FAM111A protein (p.Thr563Ala). This variant is present in population databases (rs763256878, gnomAD 0.009%). This variant has not been reported in the literature in individuals affected with FAM111A-related conditions. Invitae Evidence Modeling of protein sequence and biophysical properties (such as structural, functional, and spatial information, amino acid conservation, physicochemical variation, residue mobility, and thermodynamic stability) indicates that this missense variant is not expected to disrupt FAM111A protein function with a negative predictive value of 80%. In summary, the available evidence is currently insufficient to determine the role of this variant in disease. Therefore, it has been classified as a Variant of Uncertain Significance.